The following is an entry in ClinVar:

ClinVar aggregate classification (germline): Uncertain significance (1 of 4 stars; one submission).

Conditions:
Developmental and epileptic encephalopathy, 23 (DEE23). Also called: Epileptic encephalopathy, early infantile, 23. Identifiers: Orphanet 411986, MedGen C4014492, MONDO:0014371, OMIM 615859.

Allele frequency attached by ClinVar (database versions not stated): ExAC 0.00001; TOPMed 0.00001; gnomAD exomes 0.00004; ESP Exome Variant Server 0.00008.
gnomAD v4.1: 66 of 1,613,582 alleles (0.0041%); highest among the groups gnomAD compares: Non-Finnish European, 0.0054%; no homozygotes.

Submission:

Labcorp Genetics (formerly Invitae), Labcorp
Classification: Uncertain significance for Developmental and epileptic encephalopathy, 23. Last evaluated: 2022-07-06. Review status: criteria provided, single submitter. Criteria: Invitae Variant Classification Sherloc (09022015). Collection method: clinical testing. Allele origin: germline.
Comment: In summary, the available evidence is currently insufficient to determine the role of this variant in disease. Therefore, it has been classified as a Variant of Uncertain Significance. Algorithms developed to predict the effect of missense changes on protein structure and function are either unavailable or do not agree on the potential impact of this missense change (SIFT: "Deleterious"; PolyPhen-2: "Possibly Damaging"; Align-GVGD: "Class C0"). ClinVar contains an entry for this variant (Variation ID: 641735). This variant has not been reported in the literature in individuals affected with DOCK7-related conditions. This variant is present in population databases (rs373803183, gnomAD 0.0009%). This sequence change replaces cysteine, which is neutral and slightly polar, with tryptophan, which is neutral and slightly polar, at codon 193 of the DOCK7 protein (p.Cys193Trp).

NM_001367561.1(DOCK7):c.579T>G (p.Cys193Trp)

Gene: DOCK7 (dedicator of cytokinesis 7; minus strand). Cytogenetic location: 1p31.3.
Variant type: single nucleotide variant.
Coding change: c.579T>G on transcript NM_001367561.1 (MANE Select); coding-DNA position 579, T replaced by G.
Protein change: p.Cys193Trp; replaces cysteine 193 with tryptophan.
Molecular consequence: missense variant.
Genome position (GRCh38, 1-based): chr1:62,648,259, A>C on the plus strand (T>G on the coding strand, the complement: DOCK7 is on the minus strand). VCF-style: chr1-62648259-A-C. GRCh37 (hg19) VCF-style: chr1-63113930-A-C.
Other names: c.579T>G, p.Cys193Trp (NM_001271999.2, NM_001272000.2, NM_001272001.2 and 3 more transcripts); short protein forms C193W.
Identifiers: ClinVar variation 641735 (VCV000641735.7), dbSNP rs373803183, ClinGen allele CA887156.